The following is an entry in ClinVar:

NM_007078.3(LDB3):c.1337C>A (p.Thr446Asn)

Gene: LDB3 (LIM domain binding 3; plus strand). Cytogenetic location: 10q23.2.
Variant type: single nucleotide variant.
Coding change: c.1337C>A on transcript NM_007078.3 (MANE Select); coding-DNA position 1337, C replaced by A.
Protein change: p.Thr446Asn; replaces threonine 446 with asparagine.
Molecular consequence: missense variant.
Genome position (GRCh38, 1-based): chr10:86,716,432, C>A. VCF-style: chr10-86716432-C-A. GRCh37 (hg19) VCF-style: chr10-88476189-C-A.
Other names: c.1007C>A, p.Thr336Asn (NM_001080114.2); c.1352C>A, p.Thr451Asn (NM_001171610.2); c.1148C>A, p.Thr383Asn (NM_001368064.1, NM_001368065.1); c.1196C>A, p.Thr399Asn (NM_001368066.1); short protein forms T399N, T451N, T336N, T383N, T446N.
Identifiers: ClinVar variation 1770262 (VCV001770262.7), dbSNP rs200476126, ClinGen allele CA5585137.

ClinVar aggregate classification (germline): Uncertain significance. Review status: criteria provided, multiple submitters, no conflicts (2 of 4 stars). 2 submissions from 2 submitters: Uncertain significance (2). Last evaluated 2023-08-08.

Conditions:
Cardiovascular phenotype. Identifiers: MedGen CN230736.
Myofibrillar myopathy 4. Also called: Zaspopathy (type). Identifiers: Orphanet 98912, MedGen C4721886, MONDO:0012277, OMIM 609452.

Allele frequency attached by ClinVar (database versions not stated): ExAC 0.00007; 1000 Genomes Project 0.00020.
gnomAD v4.1: 37 of 1,564,766 alleles (0.0024%); highest among the groups gnomAD compares: East Asian, 0.086%; no homozygotes.

Submissions (2):

Labcorp Genetics (formerly Invitae), Labcorp
Classification: Uncertain significance for Myofibrillar myopathy 4. Last evaluated: 2023-08-08. Review status: criteria provided, single submitter. Criteria: Invitae Variant Classification Sherloc (09022015). Collection method: clinical testing. Allele origin: germline.
Comment: The LDB3 gene has multiple clinically relevant transcripts. This variant occurs in alternate transcript NM_007078.3, and corresponds to NM_001080116.1:c.*17058C>A in the primary transcript. This sequence change replaces threonine, which is neutral and polar, with asparagine, which is neutral and polar, at codon 446 of the LDB3 protein (p.Thr446Asn). In summary, the available evidence is currently insufficient to determine the role of this variant in disease. Therefore, it has been classified as a Variant of Uncertain Significance. Experimental studies and prediction algorithms are not available or were not evaluated, and the functional significance of this variant is currently unknown. This variant has not been reported in the literature in individuals affected with LDB3-related conditions. The frequency data for this variant in the population databases is considered unreliable, as metrics indicate poor data quality at this position in the gnomAD database.

Ambry Genetics
Classification: Uncertain significance for Cardiovascular phenotype. Last evaluated: 2021-06-23. Review status: criteria provided, single submitter. Criteria: Ambry Variant Classification Scheme 2023. Collection method: clinical testing. Allele origin: germline.
Comment: The p.T446N variant (also known as c.1337C>A), located in coding exon 9 of the LDB3 gene, results from a C to A substitution at nucleotide position 1337. The threonine at codon 446 is replaced by asparagine, an amino acid with similar properties. This amino acid position is conserved. In addition, this alteration is predicted to be tolerated by in silico analysis. Since supporting evidence is limited at this time, the clinical significance of this alteration remains unclear.